The following is an entry in ClinVar:

NM_006859.4(LIAS):c.56G>C (p.Arg19Thr)

Gene: LIAS (lipoic acid synthetase; plus strand). Cytogenetic location: 4p14.
Variant type: single nucleotide variant.
Coding change: c.56G>C on transcript NM_006859.4 (MANE Select); coding-DNA position 56, G replaced by C.
Protein change: p.Arg19Thr; replaces arginine 19 with threonine.
Molecular consequence: missense variant.
Genome position (GRCh38, 1-based): chr4:39,460,800, G>C. VCF-style: chr4-39460800-G-C. GRCh37 (hg19) VCF-style: chr4-39462420-G-C.
Other names: c.56G>C, p.Arg19Thr (NM_001278590.2, NM_001278591.2, NM_001278592.2 and 2 more transcripts); short protein forms R19T.
Identifiers: ClinVar variation 945963 (VCV000945963.9), dbSNP rs1744443342, ClinGen allele CA356663564.

ClinVar aggregate classification (germline): Uncertain significance (1 of 4 stars; one submission).

Conditions:
Lipoic acid synthetase deficiency. Also called: HYPERGLYCINEMIA, LACTIC ACIDOSIS, AND SEIZURES. Identifiers: Orphanet 401859, MedGen C3280887, MONDO:0013762, OMIM 614462.

Submission:

Labcorp Genetics (formerly Invitae), Labcorp
Classification: Uncertain significance for Lipoic acid synthetase deficiency. Last evaluated: 2022-10-25. Review status: criteria provided, single submitter. Criteria: Invitae Variant Classification Sherloc (09022015). Collection method: clinical testing. Allele origin: germline.
Comment: This sequence change replaces arginine, which is basic and polar, with threonine, which is neutral and polar, at codon 19 of the LIAS protein (p.Arg19Thr). This variant is not present in population databases (gnomAD no frequency). This variant has not been reported in the literature in individuals affected with LIAS-related conditions. ClinVar contains an entry for this variant (Variation ID: 945963). Algorithms developed to predict the effect of missense changes on protein structure and function are either unavailable or do not agree on the potential impact of this missense change (SIFT: "Deleterious"; PolyPhen-2: "Benign"; Align-GVGD: "Class C0"). In summary, the available evidence is currently insufficient to determine the role of this variant in disease. Therefore, it has been classified as a Variant of Uncertain Significance.